The following is an entry in ClinVar:

NM_001267550.2(TTN):c.7919A>G (p.Glu2640Gly)

Gene: TTN (titin; minus strand). Cytogenetic location: 2q31.2.
Variant type: single nucleotide variant.
Coding change: c.7919A>G on transcript NM_001267550.2 (MANE Select); coding-DNA position 7919, A replaced by G.
Protein change: p.Glu2640Gly; replaces glutamic acid 2640 with glycine.
Molecular consequence: missense variant.
Genome position (GRCh38, 1-based): chr2:178,771,408, T>C on the plus strand (A>G on the coding strand, the complement: TTN is on the minus strand). VCF-style: chr2-178771408-T-C. GRCh37 (hg19) VCF-style: chr2-179636135-T-C.
Other names: c.7919A>G, p.Glu2640Gly (NM_001256850.1, NM_133378.4, NM_133379.5); c.7781A>G, p.Glu2594Gly (NM_003319.4, NM_133432.3, NM_133437.4); short protein forms E2594G, E2640G.
Identifiers: ClinVar variation 4540001 (VCV004540001.1).

ClinVar aggregate classification (germline): Uncertain significance (1 of 4 stars; one submission).

gnomAD v4.1: 3 of 1,614,004 alleles (0.00019%); highest among the groups gnomAD compares: Non-Finnish European, 0.00025%; no homozygotes.

Submission:

GeneDx
Classification: Uncertain significance. Last evaluated: 2025-06-25. Review status: criteria provided, single submitter. Criteria: GeneDx Variant Classification Process June 2021. Collection method: clinical testing. Allele origin: germline. Affected: yes.
Comment: Not observed at significant frequency in large population cohorts (gnomAD); Missense variant in a gene in which most reported pathogenic variants are truncating/loss of function; Has not been previously published as pathogenic or benign to our knowledge